The following is an entry in ClinVar:

ClinVar aggregate classification (germline): Uncertain significance (1 of 4 stars; one submission).

Submission:

Labcorp Genetics (formerly Invitae), Labcorp
Classification: Uncertain significance. Last evaluated: 2021-09-20. Review status: criteria provided, single submitter. Criteria: Invitae Variant Classification Sherloc (09022015). Collection method: clinical testing. Allele origin: germline.
Comment: This sequence change replaces serine with glycine at codon 2 of the IFT81 protein (p.Ser2Gly). The serine residue is highly conserved and there is a small physicochemical difference between serine and glycine. This variant is not present in population databases (ExAC no frequency). This variant has not been reported in the literature in individuals affected with IFT81-related conditions. Algorithms developed to predict the effect of missense changes on protein structure and function are either unavailable or do not agree on the potential impact of this missense change (SIFT: "Tolerated"; PolyPhen-2: "Probably Damaging"; Align-GVGD: "Class C0"). In summary, the available evidence is currently insufficient to determine the role of this variant in disease. Therefore, it has been classified as a Variant of Uncertain Significance.

NM_014055.4(IFT81):c.4A>G (p.Ser2Gly)

Gene: IFT81 (intraflagellar transport 81; plus strand). Cytogenetic location: 12q24.11.
Variant type: single nucleotide variant.
Coding change: c.4A>G on transcript NM_014055.4 (MANE Select); coding-DNA position 4, A replaced by G.
Protein change: p.Ser2Gly; replaces serine 2 with glycine.
Molecular consequence: missense variant. On other transcripts: 5 prime UTR variant (2), non-coding transcript variant (4).
Genome position (GRCh38, 1-based): chr12:110,127,384, A>G. VCF-style: chr12-110127384-A-G. GRCh37 (hg19) VCF-style: chr12-110565189-A-G.
Other names: c.4A>G, p.Ser2Gly (NM_001143779.2, NM_001347946.2, NM_031473.4); c.-763A>G (NM_001347947.2, NM_001347948.2); short protein forms S2G.
Identifiers: ClinVar variation 1354574 (VCV001354574.6), dbSNP rs2137289899, ClinGen allele CA386905990.